The following is an entry in ClinVar:

NM_001267550.2(TTN):c.106150G>A (p.Glu35384Lys)

Genes: TTN (titin; minus strand), TTN-AS1 (TTN antisense RNA 1; plus strand), LOC129935182 (ATAC-STARR-seq lymphoblastoid active region 16807; plus strand). Cytogenetic location: 2q31.2.
Variant type: single nucleotide variant.
Coding change: c.106150G>A on transcript NM_001267550.2 (MANE Select); coding-DNA position 106150, G replaced by A.
Protein change: p.Glu35384Lys; replaces glutamic acid 35384 with lysine.
Molecular consequence: missense variant.
Genome position (GRCh38, 1-based): chr2:178,530,465, C>T on the plus strand (G>A on the coding strand, the complement: TTN is on the minus strand). VCF-style: chr2-178530465-C-T. GRCh37 (hg19) VCF-style: chr2-179395192-C-T.
Other names: c.101227G>A, p.Glu33743Lys (NM_001256850.1); c.78955G>A, p.Glu26319Lys (NM_003319.4); c.98446G>A, p.Glu32816Lys (NM_133378.4); c.79330G>A, p.Glu26444Lys (NM_133432.3); c.79531G>A, p.Glu26511Lys (NM_133437.4); short protein forms E35384K, E26319K, E26444K, E32816K, E33743K, E26511K.
Identifiers: ClinVar variation 846158 (VCV000846158.8), dbSNP rs1170470596, ClinGen allele CA349406911.

ClinVar aggregate classification (germline): Uncertain significance (1 of 4 stars; one submission).

Conditions:
Dilated cardiomyopathy 1G (CMD1G). Identifiers: Orphanet 154, MedGen C1858763, MONDO:0011400, OMIM 604145.
Autosomal recessive limb-girdle muscular dystrophy type 2J (LGMDR10). Also called: Limb-girdle muscular dystrophy, type 2J; MUSCULAR DYSTROPHY, LIMB-GIRDLE, AUTOSOMAL RECESSIVE 10. Identifiers: Orphanet 140922, MedGen C1837342, MONDO:0012127, OMIM 608807.

Submission:

Labcorp Genetics (formerly Invitae), Labcorp
Classification: Uncertain significance for Dilated cardiomyopathy 1G; Autosomal recessive limb-girdle muscular dystrophy type 2J. Last evaluated: 2023-03-19. Review status: criteria provided, single submitter. Criteria: Invitae Variant Classification Sherloc (09022015). Collection method: clinical testing. Allele origin: germline.
Comment: In summary, the available evidence is currently insufficient to determine the role of this variant in disease. Therefore, it has been classified as a Variant of Uncertain Significance. This variant is located in the M band of TTN (PMID: 25589632). Variants in this region may be relevant for neuromuscular disorders, but have not been definitively shown to cause cardiomyopathy (PMID: 23975875). Experimental studies and prediction algorithms are not available or were not evaluated, and the functional significance of this variant is currently unknown. ClinVar contains an entry for this variant (Variation ID: 846158). This variant has not been reported in the literature in individuals affected with TTN-related conditions. This variant is not present in population databases (gnomAD no frequency). This sequence change replaces glutamic acid, which is acidic and polar, with lysine, which is basic and polar, at codon 35384 of the TTN protein (p.Glu35384Lys).

Literature cited by the submitters: PubMed 25589632; PubMed 23975875.